The following is an entry in ClinVar:

ClinVar aggregate classification (germline): Likely benign. Review status: criteria provided, multiple submitters, no conflicts (2 of 4 stars). 3 submissions from 3 submitters: Likely benign (3). Last evaluated 2026-02-01.

Conditions:
Familial sleep-related hypermotor epilepsy. Also called: Autosomal Dominant Sleep-Related Hypermotor (Hyperkinetic) Epilepsy. Identifiers: Orphanet 98784, MedGen C3696898, MONDO:0000030.

Allele frequency attached by ClinVar (database versions not stated): gnomAD 0.00001 and 0.00003; TOPMed 0.00002.
gnomAD v4.1: 59 of 1,605,876 alleles (0.0037%); highest among the groups gnomAD compares: South Asian, 0.058%; no homozygotes.

Submissions (3):

CeGaT Center for Human Genetics Tuebingen
Classification: Likely benign. Last evaluated: 2026-02-01. Review status: criteria provided, single submitter. Criteria: CeGaT Center For Human Genetics Tuebingen Variant Classification Criteria Version 2. Collection method: clinical testing. Allele origin: germline. Affected: yes. Observed: 1 variant allele.
Comment: CHRNA2: BP4, BP7

Labcorp Genetics (formerly Invitae), Labcorp
Classification: Likely benign. Last evaluated: 2025-12-23. Review status: criteria provided, single submitter. Criteria: Invitae Variant Classification Sherloc (09022015). Collection method: clinical testing. Allele origin: germline.

GeneDx
Classification: Likely benign. Last evaluated: 2019-11-25. Review status: criteria provided, single submitter. Criteria: GeneDx Variant Classification Process June 2021. Collection method: clinical testing. Allele origin: germline. Affected: yes.

NM_000742.4(CHRNA2):c.1176C>T (p.Pro392=)

Gene: CHRNA2 (cholinergic receptor nicotinic alpha 2 subunit; minus strand). Cytogenetic location: 8p21.2.
Variant type: single nucleotide variant.
Coding change: c.1176C>T on transcript NM_000742.4 (MANE Select); coding-DNA position 1176, C replaced by T.
Protein change: p.Pro392=; no amino-acid change (proline 392 retained).
Molecular consequence: synonymous variant.
Genome position (GRCh38, 1-based): chr8:27,463,267, G>A on the plus strand (C>T on the coding strand, the complement: CHRNA2 is on the minus strand). VCF-style: chr8-27463267-G-A. GRCh37 (hg19) VCF-style: chr8-27320784-G-A.
Other names: c.1131C>T, p.Pro377= (NM_001282455.2); c.699C>T, p.Pro233= (NM_001347705.2, NM_001347706.2); c.582C>T, p.Pro194= (NM_001347707.2, NM_001347708.2).
Identifiers: ClinVar variation 512597 (VCV000512597.16), dbSNP rs764346961, ClinGen allele CA4689507.